The following is an entry in ClinVar:

ClinVar aggregate classification (germline): Uncertain significance (1 of 4 stars; one submission).

Allele frequency attached by ClinVar (database versions not stated): gnomAD 0.00001.
gnomAD v4.1: 2 of 1,613,990 alleles (0.00012%); highest among the groups gnomAD compares: East Asian, 0.0022%; no homozygotes.

Submission:

Labcorp Genetics (formerly Invitae), Labcorp
Classification: Uncertain significance. Last evaluated: 2022-07-07. Review status: criteria provided, single submitter. Criteria: Invitae Variant Classification Sherloc (09022015). Collection method: clinical testing. Allele origin: germline.
Comment: In summary, the available evidence is currently insufficient to determine the role of this variant in disease. Therefore, it has been classified as a Variant of Uncertain Significance. This sequence change replaces proline, which is neutral and non-polar, with serine, which is neutral and polar, at codon 1253 of the NBAS protein (p.Pro1253Ser). This variant is not present in population databases (gnomAD no frequency). This variant has not been reported in the literature in individuals affected with NBAS-related conditions. Algorithms developed to predict the effect of missense changes on protein structure and function (SIFT, PolyPhen-2, Align-GVGD) all suggest that this variant is likely to be tolerated.

NM_015909.4(NBAS):c.3757C>T (p.Pro1253Ser)

Gene: NBAS (NBAS subunit of NRZ tethering complex; minus strand). Cytogenetic location: 2p24.3.
Variant type: single nucleotide variant.
Coding change: c.3757C>T on transcript NM_015909.4 (MANE Select); coding-DNA position 3757, C replaced by T.
Protein change: p.Pro1253Ser; replaces proline 1253 with serine.
Molecular consequence: missense variant. On other transcripts: non-coding transcript variant (1).
Genome position (GRCh38, 1-based): chr2:15,366,640, G>A on the plus strand (C>T on the coding strand, the complement: NBAS is on the minus strand). VCF-style: chr2-15366640-G-A. GRCh37 (hg19) VCF-style: chr2-15506764-G-A.
Other names: short protein forms P1253S.
Identifiers: ClinVar variation 2014860 (VCV002014860.3), dbSNP rs1312117124, ClinGen allele CA345894407.